The following is an entry in ClinVar:

NM_020708.5(SLC12A5):c.2776C>T (p.Arg926Trp)

Gene: SLC12A5 (solute carrier family 12 member 5; plus strand). Cytogenetic location: 20q13.12.
Variant type: single nucleotide variant.
Coding change: c.2776C>T on transcript NM_020708.5 (MANE Select); coding-DNA position 2776, C replaced by T.
Protein change: p.Arg926Trp; replaces arginine 926 with tryptophan.
Molecular consequence: missense variant.
Genome position (GRCh38, 1-based): chr20:46,055,012, C>T. VCF-style: chr20-46055012-C-T. GRCh37 (hg19) VCF-style: chr20-44683651-C-T.
Other names: c.2845C>T, p.Arg949Trp (NM_001134771.2); c.2845C>T (NM_001134771.1); short protein forms R926W, R949W.
Identifiers: ClinVar variation 577427 (VCV000577427.10), dbSNP rs370818838, ClinGen allele CA9887691.

ClinVar aggregate classification (germline): Uncertain significance. Review status: criteria provided, multiple submitters, no conflicts (2 of 4 stars). 3 submissions from 3 submitters: Uncertain significance (3). Last evaluated 2025-08-22.

Conditions:
Developmental and epileptic encephalopathy, 34 (DEE34). Also called: SLC12A5-Related Epilepsy of Infancy with Migrating Focal Seizures; Early infantile epileptic encephalopathy 34. Identifiers: Orphanet 293181, MedGen C4225257, MONDO:0014718, OMIM 616645.

Allele frequency attached by ClinVar (database versions not stated): gnomAD exomes 0.00010 and 0.00015; ExAC 0.00015; ESP Exome Variant Server 0.00015; gnomAD 0.00023; TOPMed 0.00023.
gnomAD v4.1: 253 of 1,613,438 alleles (0.016%); highest among the groups gnomAD compares: African/African-American, 0.043%; no homozygotes.

Submissions (3):

Ambry Genetics
Classification: Uncertain significance. Last evaluated: 2025-08-22. Review status: criteria provided, single submitter. Criteria: Ambry Variant Classification Scheme 2023. Collection method: clinical testing. Allele origin: germline.

Blueprint Genetics
Classification: Uncertain significance. Last evaluated: 2024-10-15. Review status: criteria provided, single submitter. Criteria: ACMG Guidelines, 2015. Collection method: clinical testing. Allele origin: germline.

Labcorp Genetics (formerly Invitae), Labcorp
Classification: Uncertain significance for Developmental and epileptic encephalopathy, 34. Last evaluated: 2022-09-01. Review status: criteria provided, single submitter. Criteria: Invitae Variant Classification Sherloc (09022015). Collection method: clinical testing. Allele origin: germline.
Comment: This sequence change replaces arginine, which is basic and polar, with tryptophan, which is neutral and slightly polar, at codon 926 of the SLC12A5 protein (p.Arg926Trp). This variant is present in population databases (rs370818838, gnomAD 0.03%). This variant has not been reported in the literature in individuals affected with SLC12A5-related conditions. ClinVar contains an entry for this variant (Variation ID: 577427). Algorithms developed to predict the effect of missense changes on protein structure and function are either unavailable or do not agree on the potential impact of this missense change (SIFT: "Tolerated"; PolyPhen-2: "Probably Damaging"; Align-GVGD: "Class C0"). In summary, the available evidence is currently insufficient to determine the role of this variant in disease. Therefore, it has been classified as a Variant of Uncertain Significance.